The following is an entry in ClinVar:

NM_000143.4(FH):c.1431_1433dup (p.Lys477dup)

Gene: FH (fumarate hydratase; minus strand). Cytogenetic location: 1q43.
Variant type: Duplication.
Coding change: c.1431_1433dup on transcript NM_000143.4 (MANE Select); coding-DNA positions 1431 to 1433, 3 bases duplicated (AAA; older notation c.1431_1433dupAAA).
Protein change: p.Lys477dup; duplicates lysine 477.
Molecular consequence: inframe insertion.
Genome position (GRCh38, 1-based): chr1:241,497,928-241,497,930, TTT duplicated on the plus strand (AAA on the coding strand, the reverse complement: FH is on the minus strand); duplicating any 3 consecutive bases within chr1:241,497,928-241,497,932 gives the same sequence; the c. name uses the placement nearest the transcript's 3' end. VCF-style (leftmost placement, unchanged base first): chr1-241497927-A-ATTT. GRCh37 (hg19) VCF-style: chr1-241661227-A-ATTT.
Other names: c.1431_1433dupAAA (NM_000143.2, NM_000143.3, NM_000143.4); c.1433_1434insAAA (NM_000143.2, NM_000143.4).
Identifiers: ClinVar variation 42095 (VCV000042095.123), dbSNP rs367543046, ClinGen allele CA190246.
Genomic context (GRCh38, chr1:241,497,927, plus strand): 5'-GTCAAACTGCTCTGCTGTGAGATAGCCAAGTTCGATAGCAGTTTCCTTTAAGGTTGATCC[A>ATTT]TTTTTGTGTGCTGTCTTAGCAATCTTTGCTGCCTTGTCATACCCTGAAGAAAAAATAAAA-3'

ClinVar aggregate classification (germline): Conflicting classifications of pathogenicity. Review status: criteria provided, conflicting classifications (1 of 4 stars). 38 submissions from 37 submitters: Pathogenic (9); Likely pathogenic (16); Uncertain significance (7). 6 of the submissions do not count toward it. Last evaluated 2026-09-01.

Conditions:
FH-related disorder. Also called: FH-related disorders; FH-related condition.
Fetal anomalies with a likely genetic cause.
Inherited renal cancer.
Hereditary cancer-predisposing syndrome. Also called: Neoplastic Syndromes, Hereditary; Hereditary neoplastic syndrome; Hereditary Cancer Syndrome; Tumor predisposition. Identifiers: Orphanet 140162, MedGen C0027672, MeSH D009386, MONDO:0015356.
Hereditary leiomyomatosis and renal cell cancer. Also called: Familial leiomyomatosis; Reed syndrome; Multiple cutaneous and uterine leiomyomatosis; Cutaneous leiomyomata with uterine leiomyomata; Leiomyoma, hereditary multiple, of skin; Multiple cutaneous and uterine leiomyomata. Identifiers: Orphanet 523, MedGen C1708350, MONDO:0007888, OMIM 150800, HP:0007437. Disease mechanism: loss of function.
Fumarase deficiency (FMRD). Also called: Fumaric aciduria; Fumarate Hydratase Deficiency. Identifiers: Orphanet 24, MedGen C0342770, MONDO:0011730, OMIM 606812.

Submissions 1 to 6 of 39:

Genetics Laboratory, Great Ormond Street Hospital NHS Foundation Trust, North Thames Genomic Laboratory Hub
Classification: Uncertain significance for Fetal anomalies with a likely genetic cause. Last evaluated: 2026-09-01. Review status: criteria provided, single submitter. Criteria: ACGS Best Practice Guidelines for Variant Classification in Rare Disease 2024 v1.2. Collection method: clinical testing. Allele origin: germline. Affected: yes.
Comment: PM4_supporting, PS3_strong

OLLIN Analises Genomicas, OLLIN
Classification: Likely pathogenic for Hereditary leiomyomatosis and renal cell cancer. Last evaluated: 2026-08-06. Review status: criteria provided, single submitter. Criteria: ACMG Guidelines 2015 PMID 25741868. Collection method: clinical testing. Allele origin: germline. Inheritance: Autosomal recessive inheritance.
Comment: This in-frame duplication, located in exon 10 (of 10), has been reported in ClinVar (accession VCV000042095.117) and in gnomAD with an allele frequency of 0.19%. However, to our knowledge, it has not been reported in the scientific literature. This variant adds 1 amino acid, preserving the reading frame and leading to an increased protein length. According to the currently available evidence, this variant has been classified as likely pathogenic (PM3_VS, PM4).

CeGaT Center for Human Genetics Tuebingen
Classification: Likely pathogenic. Last evaluated: 2026-08-01. Review status: criteria provided, single submitter. Criteria: CeGaT Center For Human Genetics Tuebingen Variant Classification Criteria Version 2. Collection method: clinical testing. Allele origin: germline. Affected: yes. Observed: 11 variant alleles.
Comment: FH: PM3:Strong, PS3:Moderate, PM2:Supporting, PM4:Supporting

PreventionGenetics, part of Exact Sciences
Classification: Likely pathogenic for FH-related condition. Last evaluated: 2026-07-20. Review status: criteria provided, single submitter. Criteria: ACMG Guidelines, 2015. Collection method: clinical testing. Allele origin: germline.
Comment: The FH c.1431_1433dupAAA variant is predicted to result in an in-frame duplication (p.Lys477dup). This variant has been reported in the heterozygous state in individuals with hereditary leiomyomatosis and renal cell cancer (Chen et al. 2014. PubMed ID: 24441663; Martínek et al. 2015. PubMed ID: 25985877); however, it has also been observed in many unaffected individuals (Ylisaukko-oja et al. 2006. PubMed ID: 16639410, reported as 435insAAA; supplementary data, Johnston et al. 2012. PubMed ID: 22703879; Zhang et al. 2020. PubMed ID: 31444830). In the gnomAD database, this variant has been observed in the Ashkenazi Jewish population at an allele frequency of 0.5%, and it is documented in two homozygous individuals in gnomAD. This duplication has been reported as causative for autosomal recessive fumarase deficiency when found in the compound heterozygous state with a second pathogenic FH variant, but has not been documented as causative in the homozygous state (Rustin et al. 1997. PubMed ID: 9300800, reported as Lys434ins; Coughlin et al. 1998. PubMed ID: 9635293; Deschauer et al. 2006. PubMed ID: 16510303; Tregoning et al. 2013. PubMed ID: 24182348). This variant has conflicting classifications in ClinVar, ranging from pathogenic to uncertain significance (Variation ID: 42095). We classify the FH c.1431_1433dup (p.Lys477dup) variant as likely pathogenic in the context of fumarase deficiency, when found in the compound heterozygous state. However, the c.1431_1433dup (p.Lys477dup) variant in the homozygous state is less likely to contribute to disease. This variant is unlikely to be pathogenic for hereditary leiomyomatosis and renal cell cancer and in the context of autosomal dominant phenotypes, this alteration is classified as a variant of uncertain significance.

Women's Health and Genetics/Laboratory Corporation of America, LabCorp
Classification: Likely pathogenic for Fumarase deficiency. Last evaluated: 2026-05-21. Review status: criteria provided, single submitter. Criteria: LabCorp Variant Classification Summary - May 2015. Collection method: clinical testing. Allele origin: germline.
Comment: Variant summary: FH c.1431_1433dupAAA (p.Lys477dup) results in an in-frame duplication that is predicted to duplicate one amino acid into the encoded protein. The variant allele was found at a frequency of 0.001 in 249492 control chromosomes in the gnomAD database, including 2 homozygotes. This frequency is not significantly higher than estimated for disease-causing variants in FH, allowing no conclusion about variant significance. c.1431_1433dupAAA has been observed in multiple individuals affected with features of Hereditary Leiomyomatosis and Renal Cell Cancer (example, Ezgu_2013, Ylisaukko-oja_2006, BeiChen_2014, Martinek_2015), multiple primary tumors (Whitworth_2018, Carlo_2020, Hartman_2020), in a study examining cancer susceptibility variants in subjects with atherosclerosis phenotypes (ClinSeq cohort, Johnston_2012) and in compound heterozygous genotypes with other FH variants in case reports of patients with biochemically and clinically confirmed Fumarase deficiency (example, Tregoning_2013, Deschauer_2006, Loeffen_2005, Coughlin_1998, Prasad_2017). To our knowledge, no homozygous patients affected with classic Fumarase deficiency have been ascertained. In 2002, the Multiple Leiomyoma Consortium identified FH as a non-classical tumor suppressor gene responsible for multiple cutaneous and uterine leiomyomas (MCUL) as well as hereditary leiomyomatosis and renal cell cancer (HLRCC) (as cited in Ezgu_2013). However, two recent studies provide evidence that c.1431_1433dupAAA is not associated with Renal Cell Cancer (RCC): in a large US cancer cohort of 7571 patients, none of the renal cell cancer patients carried the variant of interest (Zhang_2020). In a following case study of 2 carriers with renal cell carcinoma, immunohistochemistry-based analysis of patient tumors revealed no FH-deficiency with the authors concluding that this variant may not contribute to RCC (Gupta_2021). Several publications report experimental evidence evaluating an impact on FH activity in compound heterozygous genotypes that do not allow convincing conclusions about the variant effect due to lack of homozygous control activity measurements (example, Tregoning_2013, Loeffen_2005, Coughlin_1998). However, in at-least one of the ascertained studies, the most pronounced variant effect results in 1.9% of normal activity in an individual who harbored this variant in compound heterozygosity with a different loss of function (LOF) variant (Pollard_2005). The following publications have been ascertained in the context of this evaluation (PMID: 15987702, 22703879, 29909963, 24441663, 9635293, 16510303, 23612258, 16151915, 25985877, 27541980, 24182348, 16639410, 31444830, 32782288, 31794323, 34337822, 35993574). ClinVar contains an entry for this variant (Variation ID: 42095). In summary, while this variant has been reported in the literature, the cancer risk of this variant remains uncertain for this highly variable phenotype that is known to have incomplete penetrance. Addtional large prospective studies are needed to fully ascertain the associated cancer risks for this variant. Based on the evidence outlined above, the variant was classified as likely pathogenic for AR-Fumarase deficiency when observed in combination with other pathogenic/likely pathogenic variants in the FH gene.

Dasa
Classification: Likely pathogenic. Last evaluated: 2026-04-17. Review status: criteria provided, single submitter. Criteria: DASA Assertion Criteria. Collection method: clinical testing. Allele origin: germline.
Comment: NM_000143.4(FH):c.1431_1433dup (p.Lys477dup) is an in-frame duplication predicted to duplicate lysine at protein position 477 without shifting the reading frame. This variant has been reported in individuals with FH-related disorders (PMID: 9635293). Functional evidence supports an impact on the gene or gene product (PMID: 9635293; PMID: 9300800; PMID: 15987702; PMID: 24182348). Also, this variant is rare in population databases. Based on the currently available evidence, this variant is classified as likely pathogenic.